The following is an entry in ClinVar:

NM_199355.4(ADAMTS18):c.3366C>G (p.Asn1122Lys)

Gene: ADAMTS18 (ADAM metallopeptidase with thrombospondin type 1 motif 18; minus strand). Cytogenetic location: 16q23.1.
Variant type: single nucleotide variant.
Coding change: c.3366C>G on transcript NM_199355.4 (MANE Select); coding-DNA position 3366, C replaced by G.
Protein change: p.Asn1122Lys; replaces asparagine 1122 with lysine.
Molecular consequence: missense variant.
Genome position (GRCh38, 1-based): chr16:77,291,302, G>C on the plus strand (C>G on the coding strand, the complement: ADAMTS18 is on the minus strand). VCF-style: chr16-77291302-G-C. GRCh37 (hg19) VCF-style: chr16-77325199-G-C.
Other names: c.2850C>G, p.Asn950Lys (NM_001326358.2); short protein forms N950K, N1122K.
Identifiers: ClinVar variation 4693123 (VCV004693123.1).
Genomic context (GRCh38, chr16:77,291,302, plus strand): 5'-CCTCCTCAATCGGCCTGTACCCACCTGCTGCCACGGCAATGAATACCATCCAGCTACCAT[G>C]TTGTACACTGGATGGGCTGGGCAAGCCCGTCGGTTGCAGGTCTCTTCCAAGTCCAGATTT-3'
Protein context (NP_955387.1, residues 1112-1132): RRACPAHPVY[Asn1122Lys]MVAGWYSLPW

ClinVar aggregate classification (germline): Uncertain significance (1 of 4 stars; one submission).

gnomAD v4.1: 3 of 1,614,180 alleles (0.00019%); highest among the groups gnomAD compares: Non-Finnish European, 0.00025%; no homozygotes.

Submission:

Labcorp Genetics (formerly Invitae), Labcorp
Classification: Uncertain significance. Last evaluated: 2025-07-28. Review status: criteria provided, single submitter. Criteria: Invitae Variant Classification Sherloc (09022015). Collection method: clinical testing. Allele origin: germline.
Comment: This sequence change replaces asparagine, which is neutral and polar, with lysine, which is basic and polar, at codon 1122 of the ADAMTS18 protein (p.Asn1122Lys). This variant is not present in population databases (gnomAD no frequency). This variant has not been reported in the literature in individuals affected with ADAMTS18-related conditions. An algorithm developed to predict the effect of missense changes on protein structure and function (PolyPhen-2) suggests that this variant is likely to be tolerated. In summary, the available evidence is currently insufficient to determine the role of this variant in disease. Therefore, it has been classified as a Variant of Uncertain Significance.